The following is an entry in ClinVar:

ClinVar aggregate classification (germline): Uncertain significance. Review status: criteria provided, multiple submitters, no conflicts (2 of 4 stars). 2 submissions from 2 submitters: Uncertain significance (2). Last evaluated 2026-04-15.

Conditions:
Spastic paraplegia. Identifiers: MedGen C0037772, HP:0001258.

Allele frequency attached by ClinVar (database versions not stated): gnomAD exomes 0.00001; gnomAD 0.00001; TOPMed 0.00002.
gnomAD v4.1: 17 of 1,614,042 alleles (0.0011%); highest among the groups gnomAD compares: Admixed American, 0.005%; no homozygotes.

Submissions (2):

GeneDx
Classification: Uncertain significance. Last evaluated: 2026-04-15. Review status: criteria provided, single submitter. Criteria: GeneDx Variant Classification Process June 2021. Collection method: clinical testing. Allele origin: germline.
Comment: Not observed at significant frequency in large population cohorts (gnomAD); In silico analysis suggests that this missense variant does not alter protein structure/function; This variant is associated with the following publications: (PMID: 36964972)

Labcorp Genetics (formerly Invitae), Labcorp
Classification: Uncertain significance for Spastic paraplegia. Last evaluated: 2024-11-04. Review status: criteria provided, single submitter. Criteria: Invitae Variant Classification Sherloc (09022015). Collection method: clinical testing. Allele origin: germline.
Comment: This sequence change replaces asparagine, which is neutral and polar, with serine, which is neutral and polar, at codon 2097 of the ZFYVE26 protein (p.Asn2097Ser). This variant is present in population databases (rs745876067, gnomAD 0.003%). This missense change has been observed in individual(s) with hereditary spastic paraplegia (PMID: 36964972). ClinVar contains an entry for this variant (Variation ID: 2145979). An algorithm developed to predict the effect of missense changes on protein structure and function (PolyPhen-2) suggests that this variant is likely to be disruptive. In summary, the available evidence is currently insufficient to determine the role of this variant in disease. Therefore, it has been classified as a Variant of Uncertain Significance.

Literature cited by the submitters: PubMed 36964972 (cited by Labcorp Genetics (formerly Invitae), Labcorp).

NM_015346.4(ZFYVE26):c.6290A>G (p.Asn2097Ser)

Gene: ZFYVE26 (zinc finger FYVE-type containing 26; minus strand). Cytogenetic location: 14q24.1.
Variant type: single nucleotide variant.
Coding change: c.6290A>G on transcript NM_015346.4 (MANE Select); coding-DNA position 6290, A replaced by G.
Protein change: p.Asn2097Ser; replaces asparagine 2097 with serine.
Molecular consequence: missense variant.
Genome position (GRCh38, 1-based): chr14:67,762,282, T>C on the plus strand (A>G on the coding strand, the complement: ZFYVE26 is on the minus strand). VCF-style: chr14-67762282-T-C. GRCh37 (hg19) VCF-style: chr14-68228999-T-C.
Other names: c.6290A>G (NM_015346.3); short protein forms N2097S.
Identifiers: ClinVar variation 2145979 (VCV002145979.4), dbSNP rs745876067, ClinGen allele CA262823638.